The following is an entry in ClinVar:

ClinVar aggregate classification (germline): Conflicting classifications of pathogenicity. Review status: criteria provided, conflicting classifications (1 of 4 stars). 6 submissions from 6 submitters: Likely pathogenic (1); Uncertain significance (5). Last evaluated 2026-05-25.

Conditions:
HNF1B-related disorder. Also called: HNF1B-related condition; HNF1B-related disorders.
Nonpapillary renal cell carcinoma. Identifiers: Orphanet 422526, MedGen CN074294, MONDO:0007763, OMIM 144700.
Type 2 diabetes mellitus. Also called: Type II diabetes mellitus. Identifiers: MedGen C0011860, MeSH D003924, MONDO:0005148, OMIM 125853, HP:0005978.
Renal cysts and diabetes syndrome (RCAD). Also called: Familial hypoplastic, glomerulocystic kidney; MATURITY-ONSET DIABETES OF THE YOUNG, TYPE 5. Identifiers: Orphanet 93111, MedGen C0431693, MONDO:0007669, OMIM 137920.

Submissions (6):

PreventionGenetics, part of Exact Sciences
Classification: Uncertain significance for HNF1B-related condition. Last evaluated: 2026-05-25. Review status: criteria provided, single submitter. Criteria: ACMG Guidelines, 2015. Collection method: clinical testing. Allele origin: germline.
Comment: The HNF1B c.1006C>T variant is predicted to result in the amino acid substitution p.His336Tyr. This variant was reported in a genetic study of genes for maturity onset diabetes of the young (MODY) in individuals from the UK Biobank (eTable 1, Billings et al. 2022. PubMed ID: 36208030). Of note, two different substitutions at the same codon have been reported in patients with HNF1B-related disorders (see for example, p.His336Asp at Weber et al. 2006. PubMed ID: 16971658 and Komazec et al. 2019. PubMed ID: 30259503; p.His336Arg at Wang et al. 2017. PubMed ID: 28502589).This variant is reported in 0.026% of alleles in individuals of Latino descent in gnomAD. At this time, the clinical significance of this variant is uncertain due to the absence of conclusive functional and genetic evidence.

Labcorp Genetics (formerly Invitae), Labcorp
Classification: Uncertain significance. Last evaluated: 2024-09-04. Review status: criteria provided, single submitter. Criteria: Invitae Variant Classification Sherloc (09022015). Collection method: clinical testing. Allele origin: germline.
Comment: This sequence change replaces histidine, which is basic and polar, with tyrosine, which is neutral and polar, at codon 336 of the HNF1B protein (p.His336Tyr). This variant is present in population databases (rs138986885, gnomAD 0.02%). This variant has not been reported in the literature in individuals affected with HNF1B-related conditions. ClinVar contains an entry for this variant (Variation ID: 36837). Invitae Evidence Modeling of protein sequence and biophysical properties (such as structural, functional, and spatial information, amino acid conservation, physicochemical variation, residue mobility, and thermodynamic stability) indicates that this missense variant is not expected to disrupt HNF1B protein function with a negative predictive value of 80%. In summary, the available evidence is currently insufficient to determine the role of this variant in disease. Therefore, it has been classified as a Variant of Uncertain Significance.

Fulgent Genetics
Classification: Uncertain significance for Type 2 diabetes mellitus; Renal cysts and diabetes syndrome; Nonpapillary renal cell carcinoma. Last evaluated: 2024-01-25. Review status: criteria provided, single submitter. Criteria: ACMG Guidelines, 2015. Collection method: clinical testing. Allele origin: germline.

Broad Center for Mendelian Genomics, Broad Institute of MIT and Harvard
Classification: Uncertain significance for Renal cysts and diabetes syndrome. Last evaluated: 2020-01-22. Review status: criteria provided, single submitter. Criteria: ACMG Guidelines, 2015. Collection method: curation. Allele origin: germline. Inheritance: Autosomal dominant inheritance.
Comment: The p.His336Tyr variant in HNF1B has been reported in at least 1 individual with Renal Cysts and Diabetes Syndrome in ClinVar (Variation ID: 377055), and has been identified in 0.02611% (9/34468) of Latino chromosomes and 0.0008848% (1/113020) of European (non-Finnish) chromosomes by the Genome Aggregation Database (gnomAD; dbSNP rs138986885). Although this variant has been seen in the general population, its frequency is low enough to be consistent with a carrier frequency. Please note that for diseases with clinical variability, or reduced penetrance, pathogenic variants may be present at a low frequency in the general population. This variant has also been reported likely pathogenic in ClinVar (Variation ID: 36837). Computational prediction tools and conservation analyses suggest that this variant may impact the protein, though this information is not predictive enough to determine pathogenicity. In summary, the clinical significance of the p.His336Tyr variant is uncertain. ACMG/AMP Criteria applied: PM2_Supporting, PP3 (Richards 2015).

Institute of Human Genetics, FAU Erlangen, Friedrich-Alexander-Universität Erlangen-Nürnberg
Classification: Uncertain significance for Renal cysts and diabetes syndrome. Last evaluated: 2019-07-06. Review status: criteria provided, single submitter. Criteria: ACMG Guidelines, 2015. Collection method: literature only. Allele origin: germline. Affected: yes.
Comment: This variant and it's classification has been reported by Vasileiou et al. 2019; DOI:10.1101/576918. The variants has previously been reported in ClinVar:36837 as "NM_000458.3(HNF1B):c.1006C>T (p.His336Tyr)" with clinical significance Likely pathogenic. It has been re-classified using InterVar and manual curation as Uncertain significance based on PM1 PP3 PP5 BP6.

Women's Health and Genetics/Laboratory Corporation of America, LabCorp
Classification: Likely pathogenic for MODY5. Last evaluated: 2011-08-18. Review status: criteria provided, single submitter. Criteria: LabCorp Variant Classification Summary - May 2015. Collection method: curation, clinical testing. Allele origin: germline. Inheritance: autosomal unknown. Affected: yes.
ClinVar note: Converted during submission from likely pathogenic to Likely pathogenic.

Literature cited by the submitters: DOI 10.1101/576918 (cited by Institute of Human Genetics, FAU Erlangen, Friedrich-Alexander-Universität Erlangen-Nürnberg).

NM_000458.4(HNF1B):c.1006C>T (p.His336Tyr)

Gene: HNF1B (HNF1 homeobox B; minus strand). Cytogenetic location: 17q12.
Variant type: single nucleotide variant.
Coding change: c.1006C>T on transcript NM_000458.4 (MANE Select); coding-DNA position 1006, C replaced by T.
Protein change: p.His336Tyr; replaces histidine 336 with tyrosine.
Molecular consequence: missense variant.
Genome position (GRCh38, 1-based): chr17:37,731,634, G>A on the plus strand (C>T on the coding strand, the complement: HNF1B is on the minus strand). VCF-style: chr17-37731634-G-A. GRCh37 (hg19) VCF-style: chr17-36091625-G-A.
Other names: c.928C>T, p.His310Tyr (NM_001165923.4, NM_001304286.2); short protein forms H336Y, H310Y.
Identifiers: ClinVar variation 36837 (VCV000036837.14), dbSNP rs138986885, ClinGen allele CA214343.
Genomic context (GRCh38, chr17:37,731,634, plus strand): 5'-TGAGGCCCAACCTTTGCTTACCTGACAGCTTGTTTGGAGGAGAGGAGCTGGGCTGGTGGT[G>A]GGGGGAGCCGTGGGAGAGCAGAGGGTTCAGGCTGTGAGTCTGGTTGGAGCTATAGGCGTC-3'
Protein context (NP_000449.1, residues 326-346): LNPLLSHGSP[His336Tyr]HQPSSSPPNK